The following is an entry in ClinVar:

ClinVar aggregate classification (germline): Pathogenic (1 of 4 stars; one submission).

Conditions:
Pfeiffer syndrome (ACS5). Also called: ACS V. Identifiers: Orphanet 710, MedGen C0220658, MONDO:0007043, OMIM 101600.
Hypogonadotropic hypogonadism 2 with or without anosmia (HH2). Also called: HYPOGONADOTROPIC HYPOGONADISM 2 WITHOUT ANOSMIA; HYPOGONADOTROPIC HYPOGONADISM 2 WITH OR WITHOUT ANOSMIA, SUSCEPTIBILITY TO; HYPOGONADOTROPIC HYPOGONADISM 2 WITHOUT ANOSMIA, SUSCEPTIBILITY TO; FGFR1-Related GnRH Deficiency (Kallmann Syndrome 2). Identifiers: Orphanet 478, MedGen C1563720, MONDO:0007844, OMIM 147950. Disease mechanism: loss of function.

Submission:

Labcorp Genetics (formerly Invitae), Labcorp
Classification: Pathogenic for Pfeiffer syndrome; Kallmann syndrome 2. Last evaluated: 2019-04-10. Review status: criteria provided, single submitter. Criteria: Invitae Variant Classification Sherloc (09022015). Collection method: clinical testing. Allele origin: germline.
Comment: This sequence change creates a premature translational stop signal (p.Lys504Asnfs*5) in the FGFR1 gene. It is expected to result in an absent or disrupted protein product. This variant is not present in population databases (ExAC no frequency). This variant has not been reported in the literature in individuals with FGFR1-related conditions. Loss-of-function variants in FGFR1 are known to be pathogenic (PMID: 12627230). For these reasons, this variant has been classified as Pathogenic.

NM_023110.3(FGFR1):c.1512del (p.Lys504fs)

Gene: FGFR1 (fibroblast growth factor receptor 1; minus strand). Cytogenetic location: 8p11.23.
Variant type: Deletion.
Coding change: c.1512del on transcript NM_023110.3 (MANE Select); coding-DNA position 1512, one base deleted (A; older notation c.1512delA).
Protein change: p.Lys504fs; shifts the reading frame from lysine 504.
Molecular consequence: frameshift variant.
Genome position (GRCh38, 1-based): chr8:38,417,910, T deleted on the plus strand (A on the coding strand, the reverse complement: FGFR1 is on the minus strand); the first of 3 consecutive T bases (chr8:38,417,910-38,417,912); deleting any one gives the same sequence. VCF-style (leftmost placement, unchanged base first): chr8-38417909-GT-G. GRCh37 (hg19) VCF-style: chr8-38275427-GT-G.
Other names: c.1506del, p.Lys502fs (NM_001174063.2, NM_001174065.2, NM_001354367.2 and 1 more transcripts); c.1482del, p.Lys494fs (NM_001174064.2); c.1245del, p.Lys415fs (NM_001174066.2, NM_023105.3); c.1605del, p.Lys535fs (NM_001174067.2); c.1233del, p.Lys411fs (NM_001354368.2); c.1500del, p.Lys500fs (NM_001354369.2); c.1239del, p.Lys413fs (NM_001354370.2, NM_023106.3); short protein forms K535fs, K494fs, K502fs, K411fs, K413fs, K500fs, K415fs, K504fs.
Identifiers: ClinVar variation 862263 (VCV000862263.1), dbSNP rs1817280576, ClinGen allele CA916082984.